The following is an entry in ClinVar:

ClinVar aggregate classification (germline): Benign/Likely benign. Review status: criteria provided, multiple submitters, no conflicts (2 of 4 stars). 7 submissions from 7 submitters: Benign (1); Likely benign (5). 1 of the submissions does not count toward it. Last evaluated 2026-01-28.

Conditions:
APC-related disorder. Also called: APC-related condition.
Hereditary cancer-predisposing syndrome. Also called: Tumor predisposition; Hereditary Cancer Syndrome; Hereditary neoplastic syndrome; Neoplastic Syndromes, Hereditary. Identifiers: Orphanet 140162, MedGen C0027672, MeSH D009386, MONDO:0015356.
Classic or attenuated familial adenomatous polyposis. Identifiers: MedGen CN372698, MONDO:0021057.
Familial adenomatous polyposis 1 (FAP1). Also called: FAMILIAL ADENOMATOUS POLYPOSIS 1, ATTENUATED; POLYPOSIS, ADENOMATOUS INTESTINAL. Identifiers: MedGen C2713442, MONDO:0021056, OMIM 175100. Disease mechanism: loss of function.

Allele frequency attached by ClinVar (database versions not stated): gnomAD 0.00001; gnomAD exomes 0.00001; ExAC 0.00002; TOPMed 0.00002.
gnomAD v4.1: 25 of 1,613,738 alleles (0.0015%); highest among the groups gnomAD compares: Non-Finnish European, 0.002%; no homozygotes.

Submissions (7):

Labcorp Genetics (formerly Invitae), Labcorp
Classification: Likely benign for Familial adenomatous polyposis 1. Last evaluated: 2026-01-28. Review status: criteria provided, single submitter. Criteria: Invitae Variant Classification Sherloc (09022015). Collection method: clinical testing. Allele origin: germline.

Myriad Genetics, Inc.
Classification: Benign for Familial adenomatous polyposis 1. Last evaluated: 2024-04-10. Review status: criteria provided, single submitter. Criteria: Myriad Autosomal Dominant, Autosomal Recessive and X-Linked Classification Criteria (2023). Collection method: clinical testing. Allele origin: unknown.
Comment: This variant is considered benign. This variant is a silent/synonymous amino acid change and it is not expected to impact splicing.

All of Us Research Program, National Institutes of Health
Classification: Likely benign for Classic or attenuated familial adenomatous polyposis. Last evaluated: 2023-11-30. Review status: criteria provided, single submitter. Criteria: ACMG Guidelines, 2015. Collection method: clinical testing. Allele origin: germline. Inheritance: Autosomal dominant inheritance. Observed: 4 variant alleles, 4 heterozygotes.
Comment: This study involves interpretation of variants in research participants for the purpose of population health screening. Participant phenotype was not available at the time of variant classification. Additional details can be found in publication PMID: 35346344, PMCID: PMC8962531

GeneDx
Classification: Likely benign. Last evaluated: 2019-01-29. Review status: criteria provided, single submitter. Criteria: GeneDx Variant Classification Process June 2021. Collection method: clinical testing. Allele origin: germline. Affected: yes.

Ambry Genetics
Classification: Likely benign for Hereditary cancer-predisposing syndrome. Last evaluated: 2017-12-18. Review status: criteria provided, single submitter. Criteria: Ambry Variant Classification Scheme 2023. Collection method: clinical testing. Allele origin: germline.

Color Diagnostics, LLC DBA Color Health
Classification: Likely benign for Hereditary cancer-predisposing syndrome. Last evaluated: 2016-11-22. Review status: criteria provided, single submitter. Criteria: ACMG Guidelines, 2015. Collection method: clinical testing. Allele origin: germline.

PreventionGenetics, part of Exact Sciences
Classification: Likely benign for APC-related condition. Last evaluated: 2021-12-31. Review status: no assertion criteria provided. Collection method: clinical testing. Allele origin: germline. Not counted in ClinVar's aggregate classification.
Comment: This variant is classified as likely benign based on ACMG/AMP sequence variant interpretation guidelines (Richards et al. 2015 PMID: 25741868, with internal and published modifications).

NM_000038.6(APC):c.7629G>A (p.Arg2543=)

Gene: APC (APC regulator of Wnt signaling pathway; plus strand). Cytogenetic location: 5q22.2.
Variant type: single nucleotide variant.
Coding change: c.7629G>A on transcript NM_000038.6 (MANE Select); coding-DNA position 7629, G replaced by A.
Protein change: p.Arg2543=; no amino-acid change (arginine 2543 retained).
Molecular consequence: synonymous variant.
Genome position (GRCh38, 1-based): chr5:112,843,223, G>A. VCF-style: chr5-112843223-G-A. GRCh37 (hg19) VCF-style: chr5-112178920-G-A.
Other names: c.7629G>A, p.Arg2543= (NM_001127510.3, NM_001354895.2); c.7575G>A, p.Arg2525= (NM_001127511.3); c.7683G>A, p.Arg2561= (NM_001354896.2); c.7659G>A, p.Arg2553= (NM_001354897.2); c.7554G>A, p.Arg2518= (NM_001354898.2); c.7545G>A, p.Arg2515= (NM_001354899.2); c.7506G>A, p.Arg2502= (NM_001354900.2); c.7452G>A, p.Arg2484= (NM_001354901.2); and 5 more.
Identifiers: ClinVar variation 183807 (VCV000183807.24), dbSNP rs780270498, ClinGen allele CA013968.